The following is an entry in ClinVar:

NM_012213.3(MLYCD):c.247C>T (p.Gln83Ter)

Gene: MLYCD (malonyl-CoA decarboxylase; plus strand). Cytogenetic location: 16q23.3.
Variant type: single nucleotide variant.
Coding change: c.247C>T on transcript NM_012213.3 (MANE Select); coding-DNA position 247, C replaced by T.
Protein change: p.Gln83Ter; replaces glutamine 83 with a stop codon.
Molecular consequence: nonsense.
Genome position (GRCh38, 1-based): chr16:83,899,391, C>T. VCF-style: chr16-83899391-C-T. GRCh37 (hg19) VCF-style: chr16-83932996-C-T.
Other names: short protein forms Q83*.
Identifiers: ClinVar variation 3685615 (VCV003685615.2).

ClinVar aggregate classification (germline): Pathogenic (1 of 4 stars; one submission).

Conditions:
Deficiency of malonyl-CoA decarboxylase. Also called: Malonic aciduria; MCD deficiency. Identifiers: Orphanet 943, MedGen C0342793, MONDO:0009556, OMIM 248360.

Submission:

Labcorp Genetics (formerly Invitae), Labcorp
Classification: Pathogenic for Deficiency of malonyl-CoA decarboxylase. Last evaluated: 2024-02-17. Review status: criteria provided, single submitter. Criteria: Invitae Variant Classification Sherloc (09022015). Collection method: clinical testing. Allele origin: germline.
Comment: This sequence change creates a premature translational stop signal (p.Gln83*) in the MLYCD gene. It is expected to result in an absent or disrupted protein product. Loss-of-function variants in MLYCD are known to be pathogenic (PMID: 12955715, 17186413). This variant is not present in population databases (gnomAD no frequency). This variant has not been reported in the literature in individuals affected with MLYCD-related conditions. For these reasons, this variant has been classified as Pathogenic.

Literature cited by the submitters: PubMed 12955715; PubMed 17186413.